The following is an entry in ClinVar:

NM_001365276.2(TNXB):c.551C>T (p.Ser184Leu)

Gene: TNXB (tenascin XB; minus strand). Cytogenetic location: 6p21.33.
Variant type: single nucleotide variant.
Coding change: c.551C>T on transcript NM_001365276.2 (MANE Select); coding-DNA position 551, C replaced by T.
Protein change: p.Ser184Leu; replaces serine 184 with leucine.
Molecular consequence: missense variant.
Genome position (GRCh38, 1-based): chr6:32,097,302, G>A on the plus strand (C>T on the coding strand, the complement: TNXB is on the minus strand). VCF-style: chr6-32097302-G-A. GRCh37 (hg19) VCF-style: chr6-32065079-G-A.
Other names: c.551C>T, p.Ser184Leu (NM_019105.8); short protein forms S184L.
Identifiers: ClinVar variation 1302407 (VCV001302407.5), dbSNP rs375853200, ClinGen allele CA3735829.

ClinVar aggregate classification (germline): Uncertain significance. Review status: criteria provided, multiple submitters, no conflicts (2 of 4 stars). 2 submissions from 2 submitters: Uncertain significance (2). Last evaluated 2025-03-23.

Conditions:
Cardiovascular phenotype. Identifiers: MedGen CN230736.

Allele frequency attached by ClinVar (database versions not stated): gnomAD 0.00006 and 0.00007; TOPMed 0.00006; ESP Exome Variant Server 0.00008.
gnomAD v4.1: 17 of 1,613,610 alleles (0.0011%); highest among the groups gnomAD compares: African/African-American, 0.02%; no homozygotes.

Submissions (2):

Ambry Genetics
Classification: Uncertain significance for Cardiovascular phenotype. Last evaluated: 2025-03-23. Review status: criteria provided, single submitter. Criteria: Ambry Variant Classification Scheme 2023. Collection method: clinical testing. Allele origin: germline.
Comment: The p.S184L variant (also known as c.551C>T), located in coding exon 2 of the TNXB gene, results from a C to T substitution at nucleotide position 551. The serine at codon 184 is replaced by leucine, an amino acid with dissimilar properties. This amino acid position is not well conserved in available vertebrate species, and leucine is the reference amino acid in other vertebrate species. In addition, this alteration is predicted to be tolerated by in silico analysis. Since supporting evidence is limited at this time, the clinical significance of this alteration remains unclear.

GeneDx
Classification: Uncertain significance. Last evaluated: 2021-01-13. Review status: criteria provided, single submitter. Criteria: GeneDx Variant Classification Process June 2021. Collection method: clinical testing. Allele origin: germline. Affected: yes.
Comment: Has not been previously published as pathogenic or benign to our knowledge; Not observed at a significant frequency in large population cohorts (Lek et al., 2016); In silico analysis supports that this missense variant does not alter protein structure/function